The following is an entry in ClinVar:

ClinVar aggregate classification (germline): Pathogenic. Review status: reviewed by expert panel (3 of 4 stars). 7 submissions from 7 submitters: Pathogenic (1). 6 of the submissions do not count toward it. Last evaluated 2016-09-08.

Conditions:
Hereditary breast ovarian cancer syndrome. Also called: Hereditary breast and ovarian cancer syndrome; Hereditary breast and ovarian cancer; Hereditary breast and ovarian cancer syndrome (HBOC); Breast and ovarian cancer; Hereditary breast and/or ovarian cancer syndrome; BRCA1- and BRCA2-Associated Hereditary Breast and Ovarian Cancer. Identifiers: Orphanet 145, MedGen C0677776, MeSH D061325, MONDO:0003582. Disease mechanism: loss of function.
Hereditary cancer-predisposing syndrome. Also called: Neoplastic Syndromes, Hereditary; Tumor predisposition; Hereditary neoplastic syndrome; Hereditary Cancer Syndrome. Identifiers: Orphanet 140162, MedGen C0027672, MeSH D009386, MONDO:0015356.
Breast-ovarian cancer, familial, susceptibility to, 2 (BROVCA2). Also called: BRCA2 Hereditary Breast and Ovarian Cancer. Identifiers: Orphanet 145, MedGen C2675520, MONDO:0012933, OMIM 612555. Disease mechanism: loss of function.

Submissions (7):

Evidence-based Network for the Interpretation of Germline Mutant Alleles (ENIGMA)
Classification: Pathogenic for Breast-ovarian cancer, familial, susceptibility to, 2. Last evaluated: 2016-09-08. Review status: reviewed by expert panel. Criteria: ENIGMA BRCA1/2 Classification Criteria (2015). Collection method: curation. Allele origin: germline.
Comment: Variant allele predicted to encode a truncated non-functional protein.

Ambry Genetics
Classification: Pathogenic for Hereditary cancer-predisposing syndrome. Last evaluated: 2025-09-26. Review status: criteria provided, single submitter. Criteria: Ambry Variant Classification Scheme 2023. Collection method: clinical testing. Allele origin: germline. Not counted in ClinVar's aggregate classification.
Comment: The c.6335_6336delGA pathogenic mutation, located in coding exon 10 of the BRCA2 gene, results from a deletion of two nucleotides at nucleotide positions 6335 to 6336, causing a translational frameshift with a predicted alternate stop codon (p.R2112Kfs*16). This mutation has been seen in one case report of a patient with ovarian cancer (Rose PG et al. Gynecol Oncol, 2000 May;77:319-20). This variant is considered to be rare based on population cohorts in the Genome Aggregation Database (gnomAD). In addition to the clinical data presented in the literature, this alteration is expected to result in loss of function by premature protein truncation or nonsense-mediated mRNA decay. As such, this alteration is interpreted as a disease-causing mutation.

KCCC/NGS Laboratory, Kuwait Cancer Control Center
Classification: Pathogenic for Breast-ovarian cancer, familial, susceptibility to, 2. Last evaluated: 2025-03-09. Review status: criteria provided, single submitter. Criteria: ACMG Guidelines, 2015. Collection method: clinical testing. Allele origin: germline. Inheritance: Autosomal dominant inheritance. Affected: yes. Observed: 1 heterozygote. Not counted in ClinVar's aggregate classification.
Comment: This sequence change creates a premature translational stop signal (p.Arg2112Lysfs*16) in the BRCA2 gene. It is expected to result in an absent or disrupted protein product. Loss-of-function variants in BRCA2 are known to be pathogenic (PMID: 20104584). This variant is not present in population databases (gnomAD no frequency). This premature translational stop signal has been observed in individual(s) with fallopian tube carcinoma, and ovarian carcinoma (PMID: 10785486). This variant is also known as 6563delGA. ClinVar contains an entry for this variant (Variation ID: 52069). For these reasons, this variant has been classified as Pathogenic.

Labcorp Genetics (formerly Invitae), Labcorp
Classification: Pathogenic for Hereditary breast ovarian cancer syndrome. Last evaluated: 2025-02-19. Review status: criteria provided, single submitter. Criteria: Invitae Variant Classification Sherloc (09022015). Collection method: clinical testing. Allele origin: germline. Not counted in ClinVar's aggregate classification.
Comment: the same text as in the submission from KCCC/NGS Laboratory, Kuwait Cancer Control Center above.

Women's Health and Genetics/Laboratory Corporation of America, LabCorp
Classification: Pathogenic for Hereditary breast ovarian cancer syndrome. Last evaluated: 2024-07-01. Review status: criteria provided, single submitter. Criteria: LabCorp Variant Classification Summary - May 2015. Collection method: clinical testing. Allele origin: germline. Not counted in ClinVar's aggregate classification.
Comment: Variant summary: BRCA2 c.6335_6336delGA (p.Arg2112LysfsX16) results in a premature termination codon, predicted to cause a truncation of the encoded protein or absence of the protein due to nonsense mediated decay, which are commonly known mechanisms for disease. The variant was absent in 244162 control chromosomes. c.6335_6336delGA has been reported in the literature in individuals affected with Fallopian Tube Carcinoma (Rose_2000). To our knowledge, no experimental evidence demonstrating an impact on protein function has been reported. The following publication have been ascertained in the context of this evaluation (PMID: 10785486). ClinVar contains an entry for this variant (Variation ID: 52069). Based on the evidence outlined above, the variant was classified as pathogenic.

Color Diagnostics, LLC DBA Color Health
Classification: Pathogenic for Hereditary cancer-predisposing syndrome. Last evaluated: 2023-04-04. Review status: criteria provided, single submitter. Criteria: ACMG Guidelines, 2015. Collection method: clinical testing. Allele origin: germline. Not counted in ClinVar's aggregate classification.
Comment: This variant deletes 2 nucleotides in exon 11 of the BRCA2 gene, creating a frameshift and premature translation stop signal. This variant is expected to result in an absent or non-functional protein product. This variant is also known as 6563delGA in the literature. This variant has been reported in an individual affected with ovarian cancer (PMID: 10785486). This variant has not been identified in the general population by the Genome Aggregation Database (gnomAD). Loss of BRCA2 function is a known mechanism of disease. Based on the available evidence, this variant is classified as Pathogenic.

Breast Cancer Information Core (BIC) (BRCA2)
Classification: Pathogenic for Breast-ovarian cancer, familial 2. Last evaluated: 1999-06-22. Review status: no assertion criteria provided. Collection method: clinical testing. Allele origin: germline. Affected: yes. Observed: 3 variant alleles. Not counted in ClinVar's aggregate classification.

Literature cited by the submitters: PubMed 10785486 (cited by 4 submitters); PubMed 20104584 (cited by Labcorp Genetics (formerly Invitae), Labcorp).

NM_000059.4(BRCA2):c.6335_6336del (p.Arg2112fs)

Gene: BRCA2 (BRCA2 DNA repair associated; plus strand). Cytogenetic location: 13q13.1.
Variant type: Microsatellite.
Coding change: c.6335_6336del on transcript NM_000059.4 (MANE Select); coding-DNA positions 6335 to 6336, 2 bases deleted (GA; older notation c.6335_6336delGA).
Protein change: p.Arg2112fs; shifts the reading frame from arginine 2112.
Molecular consequence: frameshift variant.
Genome position (GRCh38, 1-based): chr13:32,340,690-32,340,691, GA deleted; deleting any 2 consecutive bases within chr13:32,340,687-32,340,691 gives the same sequence; the c. name uses the placement nearest the transcript's 3' end. VCF-style (leftmost placement, unchanged base first): chr13-32340686-AAG-A. GRCh37 (hg19) VCF-style: chr13-32914823-AAG-A.
Other names: 6563delGA; c.6335_6336delGA (NM_000059.3); short protein forms R2112fs.
Identifiers: ClinVar variation 52069 (VCV000052069.25), dbSNP rs80359574, ClinGen allele CA023929.